The following is an entry in ClinVar:

NM_001036.6(RYR3):c.5119G>A (p.Gly1707Arg)

Gene: RYR3 (ryanodine receptor 3; plus strand). Cytogenetic location: 15q14.
Variant type: single nucleotide variant.
Coding change: c.5119G>A on transcript NM_001036.6 (MANE Select); coding-DNA position 5119, G replaced by A.
Protein change: p.Gly1707Arg; replaces glycine 1707 with arginine.
Molecular consequence: missense variant.
Genome position (GRCh38, 1-based): chr15:33,662,649, G>A. VCF-style: chr15-33662649-G-A. GRCh37 (hg19) VCF-style: chr15-33954850-G-A.
Other names: c.5119G>A, p.Gly1707Arg (NM_001243996.4); short protein forms G1707R.
Identifiers: ClinVar variation 835274 (VCV000835274.9), dbSNP rs1373558975, ClinGen allele CA391571712.

ClinVar aggregate classification (germline): Uncertain significance (1 of 4 stars; one submission).

Conditions:
Epileptic encephalopathy. Identifiers: MedGen C0543888, HP:0200134.

Allele frequency attached by ClinVar (database versions not stated): gnomAD exomes below 0.00001; TOPMed below 0.00001.
gnomAD v4.1: 3 of 1,614,040 alleles (0.00019%); highest among the groups gnomAD compares: Non-Finnish European, 0.00025%; no homozygotes.

Submission:

Labcorp Genetics (formerly Invitae), Labcorp
Classification: Uncertain significance for Epileptic encephalopathy. Last evaluated: 2019-12-14. Review status: criteria provided, single submitter. Criteria: Invitae Variant Classification Sherloc (09022015). Collection method: clinical testing. Allele origin: germline.
Comment: This sequence change replaces glycine with arginine at codon 1707 of the RYR3 protein (p.Gly1707Arg). The glycine residue is highly conserved and there is a moderate physicochemical difference between glycine and arginine. In summary, the available evidence is currently insufficient to determine the role of this variant in disease. Therefore, it has been classified as a Variant of Uncertain Significance. Algorithms developed to predict the effect of missense changes on protein structure and function are either unavailable or do not agree on the potential impact of this missense change (SIFT: "Deleterious"; PolyPhen-2: "Benign"; Align-GVGD: "Class C65"). This variant has not been reported in the literature in individuals with RYR3-related conditions. This variant is not present in population databases (ExAC no frequency).